The following is an entry in ClinVar:

NM_024642.5(GALNT12):c.1035+1G>T

Gene: GALNT12 (polypeptide N-acetylgalactosaminyltransferase 12; plus strand). Cytogenetic location: 9q22.33.
Variant type: single nucleotide variant.
Coding change: c.1035+1G>T on transcript NM_024642.5 (MANE Select); the canonical splice donor site of the intron after coding-DNA position 1035, G replaced by T.
Molecular consequence: splice donor variant.
Genome position (GRCh38, 1-based): chr9:98,835,367, G>T. VCF-style: chr9-98835367-G-T. GRCh37 (hg19) VCF-style: chr9-101597649-G-T.
Identifiers: ClinVar variation 1396718 (VCV001396718.8), dbSNP rs1363014898, ClinGen allele CA374219576.

ClinVar aggregate classification (germline): Uncertain significance (1 of 4 stars; one submission).

Submission:

Labcorp Genetics (formerly Invitae), Labcorp
Classification: Uncertain significance. Last evaluated: 2020-12-10. Review status: criteria provided, single submitter. Criteria: Invitae Variant Classification Sherloc (09022015). Collection method: clinical testing. Allele origin: germline.
Comment: In summary, the available evidence is currently insufficient to determine the role of this variant in disease. Therefore, it has been classified as a Variant of Uncertain Significance. Algorithms developed to predict the effect of sequence changes on RNA splicing suggest that this variant may disrupt the consensus splice site, but this prediction has not been confirmed by published transcriptional studies. This variant has not been reported in the literature in individuals with GALNT12-related conditions. This variant is not present in population databases (ExAC no frequency). This sequence change affects a donor splice site in intron 5 of the GALNT12 gene. It is expected to disrupt RNA splicing. Variants that disrupt the donor or acceptor splice site typically lead to a loss of protein function (PMID: 16199547), however the current clinical and genetic evidence is not sufficient to establish whether loss-of-function variants in GALNT12 cause disease.

Literature cited by the submitters: PubMed 16199547.